The following is an entry in ClinVar:

ClinVar aggregate classification (germline): Uncertain significance. Review status: criteria provided, multiple submitters, no conflicts (2 of 4 stars). 2 submissions from 2 submitters: Uncertain significance (2). Last evaluated 2025-10-07.

gnomAD v4.1: 5 of 1,613,764 alleles (0.00031%); highest among the groups gnomAD compares: Non-Finnish European, 0.00034%; no homozygotes.

Submissions (2):

Labcorp Genetics (formerly Invitae), Labcorp
Classification: Uncertain significance. Last evaluated: 2025-10-07. Review status: criteria provided, single submitter. Criteria: Invitae Variant Classification Sherloc (09022015). Collection method: clinical testing. Allele origin: germline.
Comment: This sequence change replaces proline, which is neutral and non-polar, with histidine, which is basic and polar, at codon 371 of the APOA4 protein (p.Pro371His). This variant is not present in population databases (gnomAD no frequency). This variant has not been reported in the literature in individuals affected with APOA4-related conditions. ClinVar contains an entry for this variant (Variation ID: 3931731). An algorithm developed to predict the effect of missense changes on protein structure and function (PolyPhen-2) suggests that this variant is likely to be disruptive. In summary, the available evidence is currently insufficient to determine the role of this variant in disease. Therefore, it has been classified as a Variant of Uncertain Significance.

Ambry Genetics
Classification: Uncertain significance. Last evaluated: 2025-05-05. Review status: criteria provided, single submitter. Criteria: Ambry Variant Classification Scheme 2023. Collection method: clinical testing. Allele origin: germline.

NM_000482.4(APOA4):c.1112C>A (p.Pro371His)

Gene: APOA4 (apolipoprotein A4; minus strand). Cytogenetic location: 11q23.3.
Variant type: single nucleotide variant.
Coding change: c.1112C>A on transcript NM_000482.4 (MANE Select); coding-DNA position 1112, C replaced by A.
Protein change: p.Pro371His; replaces proline 371 with histidine.
Molecular consequence: missense variant.
Genome position (GRCh38, 1-based): chr11:116,820,946, G>T on the plus strand (C>A on the coding strand, the complement: APOA4 is on the minus strand). VCF-style: chr11-116820946-G-T. GRCh37 (hg19) VCF-style: chr11-116691662-G-T.
Other names: short protein forms P371H.
Identifiers: ClinVar variation 3931731 (VCV003931731.2).